The following is an entry in ClinVar:

NM_001256789.3(CACNA1F):c.4993G>A (p.Gly1665Arg)

Gene: CACNA1F (calcium voltage-gated channel subunit alpha1 F; minus strand). Cytogenetic location: Xp11.23.
Variant type: single nucleotide variant.
Coding change: c.4993G>A on transcript NM_001256789.3 (MANE Select); coding-DNA position 4993, G replaced by A.
Protein change: p.Gly1665Arg; replaces glycine 1665 with arginine.
Molecular consequence: missense variant.
Genome position (GRCh38, 1-based): chrX:49,208,645, C>T on the plus strand (G>A on the coding strand, the complement: CACNA1F is on the minus strand). VCF-style: chrX-49208645-C-T. GRCh37 (hg19) VCF-style: chrX-49065105-C-T.
Other names: c.5026G>A (NM_005183.2); c.4831G>A, p.Gly1611Arg (NM_001256790.3); c.5026G>A, p.Gly1676Arg (NM_005183.4); short protein forms G1611R, G1665R, G1676R.
Identifiers: ClinVar variation 1943281 (VCV001943281.6), dbSNP rs782364419, ClinGen allele CA10410054.

ClinVar aggregate classification (germline): Conflicting classifications of pathogenicity. Review status: criteria provided, conflicting classifications (1 of 4 stars). 2 submissions from 2 submitters: Uncertain significance (1); Likely benign (1). Last evaluated 2026-06-11.

Conditions:
Inborn genetic diseases. Identifiers: MedGen C0950123, MeSH D030342.

Allele frequency attached by ClinVar (database versions not stated): ExAC 0.00002; gnomAD 0.00001; TOPMed 0.00001.

Submissions (2):

Ambry Genetics
Classification: Likely benign for Inborn genetic diseases. Last evaluated: 2026-06-11. Review status: criteria provided, single submitter. Criteria: Ambry Variant Classification Scheme 2023. Collection method: clinical testing. Allele origin: germline.

Labcorp Genetics (formerly Invitae), Labcorp
Classification: Uncertain significance. Last evaluated: 2023-12-26. Review status: criteria provided, single submitter. Criteria: Invitae Variant Classification Sherloc (09022015). Collection method: clinical testing. Allele origin: germline.
Comment: This sequence change replaces glycine, which is neutral and non-polar, with arginine, which is basic and polar, at codon 1676 of the CACNA1F protein (p.Gly1676Arg). This variant is present in population databases (rs782364419, gnomAD 0.003%). This variant has not been reported in the literature in individuals affected with CACNA1F-related conditions. ClinVar contains an entry for this variant (Variation ID: 1943281). Algorithms developed to predict the effect of missense changes on protein structure and function output the following: SIFT: "Not Available"; PolyPhen-2: "Benign"; Align-GVGD: "Not Available". The arginine amino acid residue is found in multiple mammalian species, which suggests that this missense change does not adversely affect protein function. In summary, the available evidence is currently insufficient to determine the role of this variant in disease. Therefore, it has been classified as a Variant of Uncertain Significance.